The following is an entry in ClinVar:

NM_000430.4(PAFAH1B1):c.635G>A (p.Arg212Lys)

Gene: PAFAH1B1 (platelet activating factor acetylhydrolase 1b regulatory subunit 1; plus strand). Cytogenetic location: 17p13.3.
Variant type: single nucleotide variant.
Coding change: c.635G>A on transcript NM_000430.4 (MANE Select); coding-DNA position 635, G replaced by A.
Protein change: p.Arg212Lys; replaces arginine 212 with lysine.
Molecular consequence: missense variant.
Genome position (GRCh38, 1-based): chr17:2,672,721, G>A. VCF-style: chr17-2672721-G-A. GRCh37 (hg19) VCF-style: chr17-2576015-G-A.
Other names: short protein forms R212K.
Identifiers: ClinVar variation 1305950 (VCV001305950.2), dbSNP rs2151666403, ClinGen allele CA397641365.

ClinVar aggregate classification (germline): Uncertain significance (1 of 4 stars; one submission).

Submission:

GeneDx
Classification: Uncertain significance. Last evaluated: 2019-05-23. Review status: criteria provided, single submitter. Criteria: GeneDx Variant Classification Process June 2021. Collection method: clinical testing. Allele origin: germline. Affected: yes.
Comment: Not observed in large population cohorts (Lek et al., 2016); In silico analysis, which includes protein predictors and evolutionary conservation, supports a deleterious effect; Has not been previously published as pathogenic or benign to our knowledge